The following is an entry in ClinVar:

ClinVar aggregate classification (germline): Uncertain significance (1 of 4 stars; one submission).

Submission:

Ambry Genetics
Classification: Uncertain significance. Last evaluated: 2025-08-29. Review status: criteria provided, single submitter. Criteria: Ambry Variant Classification Scheme 2023. Collection method: clinical testing. Allele origin: germline.
Comment: The p.T138P variant (also known as c.412A>C), located in coding exon 1 of the MLH3 gene, results from an A to C substitution at nucleotide position 412. The threonine at codon 138 is replaced by proline, an amino acid with highly similar properties. This amino acid position is conserved. In addition, this alteration is predicted to be tolerated by in silico analysis. Based on the available evidence, the clinical significance of this variant remains unclear.

NM_001040108.2(MLH3):c.412A>C (p.Thr138Pro)

Gene: MLH3 (mutL homolog 3; minus strand). Cytogenetic location: 14q24.3.
Variant type: single nucleotide variant.
Coding change: c.412A>C on transcript NM_001040108.2 (MANE Select); coding-DNA position 412, A replaced by C.
Protein change: p.Thr138Pro; replaces threonine 138 with proline.
Molecular consequence: missense variant.
Genome position (GRCh38, 1-based): chr14:75,049,244, T>G on the plus strand (A>C on the coding strand, the complement: MLH3 is on the minus strand). VCF-style: chr14-75049244-T-G. GRCh37 (hg19) VCF-style: chr14-75515947-T-G.
Other names: c.412A>C, p.Thr138Pro (NM_014381.3); short protein forms T138P.
Identifiers: ClinVar variation 4108676 (VCV004108676.1).